The following is an entry in ClinVar:

ClinVar aggregate classification (germline): Uncertain significance (1 of 4 stars; one submission).

Conditions:
Hereditary cancer-predisposing syndrome. Also called: Neoplastic Syndromes, Hereditary; Tumor predisposition; Hereditary Cancer Syndrome; Hereditary neoplastic syndrome. Identifiers: Orphanet 140162, MedGen C0027672, MeSH D009386, MONDO:0015356.

Submission:

Ambry Genetics
Classification: Uncertain significance for Hereditary cancer-predisposing syndrome. Last evaluated: 2022-03-01. Review status: criteria provided, single submitter. Criteria: Ambry Variant Classification Scheme 2023. Collection method: clinical testing. Allele origin: germline.
Comment: The p.L1303Q variant (also known as c.3908T>A), located in coding exon 20 of the DICER1 gene, results from a T to A substitution at nucleotide position 3908. The leucine at codon 1303 is replaced by glutamine, an amino acid with dissimilar properties. This amino acid position is conserved. In addition, this alteration is predicted to be deleterious by in silico analysis. Since supporting evidence is limited at this time, the clinical significance of this alteration remains unclear.

NM_177438.3(DICER1):c.3908T>A (p.Leu1303Gln)

Gene: DICER1 (dicer 1, ribonuclease III; minus strand). Cytogenetic location: 14q32.13.
Variant type: single nucleotide variant.
Coding change: c.3908T>A on transcript NM_177438.3 (MANE Select); coding-DNA position 3908, T replaced by A.
Protein change: p.Leu1303Gln; replaces leucine 1303 with glutamine.
Molecular consequence: missense variant. On other transcripts: non-coding transcript variant (6).
Genome position (GRCh38, 1-based): chr14:95,103,488, A>T on the plus strand (T>A on the coding strand, the complement: DICER1 is on the minus strand). VCF-style: chr14-95103488-A-T. GRCh37 (hg19) VCF-style: chr14-95569825-A-T.
Other names: c.3908T>A, p.Leu1303Gln (NM_001195573.1, NM_001271282.3, NM_001291628.2 and 13 more transcripts); c.3626T>A, p.Leu1209Gln (NM_001395686.1); c.3503T>A, p.Leu1168Gln (NM_001395687.1, NM_001395688.1, NM_001395689.1 and 2 more transcripts); c.3341T>A, p.Leu1114Gln (NM_001395691.1); c.2225T>A, p.Leu742Gln (NM_001395697.1); short protein forms L742Q, L1168Q, L1114Q, L1303Q, L1209Q.
Identifiers: ClinVar variation 1736076 (VCV001736076.2), dbSNP rs2542689765, ClinGen allele CA390873197.
Genomic context (GRCh38, chr14:95,103,488, plus strand): 5'-AAAAAGGAGTCGCCAAGCATTTCAAGCCGCTCCAGGTTAAATCCATCACTAGCGTTTGAC[A>T]GAGTCAAAGCCTGAAGAATAAGTCCAGGATTGGGGCCAAGAGTCCTTGAGGAGTACCCAA-3'
Protein context (NP_803187.1, residues 1293-1313): NPGLILQALT[Leu1303Gln]SNASDGFNLE